The following is an entry in ClinVar:

NM_001321142.2(CIDEC):c.431C>T (p.Thr144Met)

Gene: CIDEC (cell death inducing DFFA like effector c; minus strand). Cytogenetic location: 3p25.3.
Variant type: single nucleotide variant.
Coding change: c.431C>T on transcript NM_001321142.2 (MANE Select); coding-DNA position 431, C replaced by T.
Protein change: p.Thr144Met; replaces threonine 144 with methionine.
Molecular consequence: missense variant.
Genome position (GRCh38, 1-based): chr3:9,870,005, G>A on the plus strand (C>T on the coding strand, the complement: CIDEC is on the minus strand). VCF-style: chr3-9870005-G-A. GRCh37 (hg19) VCF-style: chr3-9911689-G-A.
Other names: c.461C>T, p.Thr154Met (NM_001199551.2); c.431C>T, p.Thr144Met (NM_001199552.2, NM_001378491.1, NM_022094.3); c.470C>T, p.Thr157Met (NM_001199623.2); c.209C>T, p.Thr70Met (NM_001321143.2, NM_001321144.2); short protein forms T70M, T157M, T144M, T154M.
Identifiers: ClinVar variation 4996354 (VCV004996354.1).
Genomic context (GRCh38, chr3:9,870,005, plus strand): 5'-GTCGCCTTCACGTTCAGGCAGCCAATGAAGTCCTGTGGGTTCAGCTTGTACAGATCAAAC[G>A]TTACACGGGCCACATCAATCTTCTTGGCAGGCTTATGGGAGAGGGACAGTGGGTGCCTTG-3'
Protein context (NP_001308071.1, residues 134-154): PAKKIDVARV[Thr144Met]FDLYKLNPQD

ClinVar aggregate classification (germline): Uncertain significance (1 of 4 stars; one submission).

Conditions:
CIDEC-related disorder. Also called: CIDEC-related condition.

Submission:

PreventionGenetics, part of Exact Sciences
Classification: Uncertain significance for CIDEC-related condition. Last evaluated: 2025-04-14. Review status: criteria provided, single submitter. Criteria: ACMG Guidelines, 2015. Collection method: clinical testing. Allele origin: germline.
Comment: The CIDEC c.431C>T variant is predicted to result in the amino acid substitution p.Thr144Met. This variant was reported as a variant of uncertain significance in a large cohort of individuals with dyslipidemia, but detailed clinical information was not provided (reported as p.Thr157Met, Supplementary Table 4, Dron et al. 2020. PubMed ID: 32041611). This variant is reported in 0.080% of alleles in individuals of East Asian descent in gnomAD. At this time, the clinical significance of this variant is uncertain due to the absence of conclusive functional and genetic evidence.